The following is an entry in ClinVar:

ClinVar aggregate classification (germline): Pathogenic/Likely pathogenic. Review status: criteria provided, multiple submitters, no conflicts (2 of 4 stars). 10 submissions from 10 submitters: Pathogenic (5); Likely pathogenic (3). 2 of the submissions do not count toward it. Last evaluated 2025-11-12.

Conditions:
Autosomal recessive osteopetrosis 4. Also called: CLCN7-Related Osteopetrosis; infantile malignant CLCN7-related recessive osteopetrosis. Identifiers: Orphanet 667, MedGen C1969106, MONDO:0012676, OMIM 611490.
Autosomal dominant osteopetrosis 2. Also called: Autosomal Dominant Osteopetrosis Type II (ADOII); ALBERS-SCHONBERG DISEASE, AUTOSOMAL DOMINANT; MARBLE BONES, AUTOSOMAL DOMINANT; OSTEOSCLEROSIS FRAGILIS GENERALISATA; Osteopetroses; Marble bones. Identifiers: Orphanet 53, MedGen C3179239, MONDO:0008156, OMIM 166600.
CLCN7-related disorder. Also called: CLCN7-related condition.
Inborn genetic diseases. Identifiers: MedGen C0950123, MeSH D030342.
Disorder of bone. Also called: Rare bone disease related to a common gene or pathway defect; Bone disorder; Bone disease. Identifiers: Orphanet 364803, MedGen C0005940, MONDO:0005381.
Abnormality of the skeletal system. Identifiers: MedGen C4021790, HP:0000924.

Allele frequency attached by ClinVar (database versions not stated): gnomAD exomes 0.00001 and 0.00003; ExAC 0.00004; gnomAD 0.00004; TOPMed 0.00005.

Submissions (10):

Genome Diagnostics Laboratory, The Hospital for Sick Children
Classification: Pathogenic for Disorder of bone. Last evaluated: 2025-11-12. Review status: criteria provided, single submitter. Criteria: ACMG Guidelines, 2015. Collection method: clinical testing. Allele origin: germline. Affected: yes.
Comment: This missense variant results in a change of arginine to glutamine at position 286, and in silico programs predict this variant to be damaging. This variant was observed in a heterozygous state in several unrelated patients with autosomal dominant type 2 osteopetrosis (PMID: 14584882; PMID: 32369273; PMID: 36793634). Additionally, this variant has also been reported in an individual with autosomal recessive osteopetrosis; however, the role of the variant in this condition is unclear (PMID: 26365571). Of note, a different amino acid change at this position, c.856C>T (p.Arg286Trp), has previously been classified as pathogenic and has been reported in multiple individuals with autosomal dominant type osteopetrosis (PMID: 11741829; PMID: 17164308; PMID: 21962762; PMID: 30942407; PMID: 31412925). This variant is observed at an allele frequency of 0.00083% in populations of the Genome Aggregation Database (gnomAD). Based on the evidence above, this variant is classified as pathogenic (ACMG criteria - PM2, PM1, PM5, PS4, PP5, PP3).

Labcorp Genetics (formerly Invitae), Labcorp
Classification: Pathogenic. Last evaluated: 2025-11-04. Review status: criteria provided, single submitter. Criteria: Invitae Variant Classification Sherloc (09022015). Collection method: clinical testing. Allele origin: germline.
Comment: This sequence change replaces arginine, which is basic and polar, with glutamine, which is neutral and polar, at codon 286 of the CLCN7 protein (p.Arg286Gln). The frequency data for this variant in the population databases is considered unreliable, as metrics indicate poor data quality at this position in the gnomAD database. This missense change has been observed in individuals with autosomal dominant osteopetrosis (PMID: 14584882, 32369273; internal data). This variant has been reported in individual(s) with autosomal recessive osteopetrosis (PMID: 26365571); however, the role of the variant in this condition is currently unclear. ClinVar contains an entry for this variant (Variation ID: 438670). Invitae Evidence Modeling of protein sequence and biophysical properties (such as structural, functional, and spatial information, amino acid conservation, physicochemical variation, residue mobility, and thermodynamic stability) indicates that this missense variant is expected to disrupt CLCN7 protein function with a positive predictive value of 95%. This variant disrupts the p.Arg286 amino acid residue in CLCN7. Other variant(s) that disrupt this residue have been determined to be pathogenic (PMID: 11741829, 17164308, 19543743, 21962762, 30942407, 31412925; internal data). This suggests that this residue is clinically significant, and that variants that disrupt this residue are likely to be disease-causing. For these reasons, this variant has been classified as Pathogenic.

GeneDx
Classification: Pathogenic. Last evaluated: 2025-06-12. Review status: criteria provided, single submitter. Criteria: GeneDx Variant Classification Process June 2021. Collection method: clinical testing. Allele origin: germline. Affected: yes.
Comment: Observed as a single heterozygous variant in several individuals in published literature with milder symptoms of CLCN7-related osteopetrosis (PMID: 14584882, 29018903, 35370969, 35309862, 36793634); In silico analysis supports that this missense variant has a deleterious effect on protein structure/function; This variant is associated with the following publications: (PMID: 26365571, 30431110, 26659599, 23983121, 33125761, 19953639, 35159175, 35370969, 32369273, 35309862, 26986070, 19288050, 29018903, 38838776, 36793634, 38702915, 37334733, 14584882, 38374194, 40018371, 38661205, 21527911)

Blueprint Genetics
Classification: Pathogenic for CLCN7-related disorders. Last evaluated: 2024-11-21. Review status: criteria provided, single submitter. Criteria: ACMG Guidelines, 2015. Collection method: clinical testing. Allele origin: germline. Affected: yes. Observed: 5 variant alleles.

Genomic Medicine Center of Excellence, King Faisal Specialist Hospital and Research Centre
Classification: Pathogenic for Autosomal recessive osteopetrosis 4. Last evaluated: 2024-03-25. Review status: criteria provided, single submitter. Criteria: ACMG Guidelines, 2015. Collection method: research. Allele origin: germline.

Kariminejad - Najmabadi Pathology & Genetics Center
Classification: Likely pathogenic for Abnormality of the skeletal system. Last evaluated: 2021-07-10. Review status: criteria provided, single submitter. Criteria: ACMG Guidelines, 2015. Collection method: clinical testing. Allele origin: germline. Affected: yes.

Ambry Genetics
Classification: Likely pathogenic for Inborn genetic diseases. Last evaluated: 2017-11-29. Review status: criteria provided, single submitter. Criteria: Ambry exome assertion method (8-5-2015). Collection method: clinical testing. Allele origin: germline. Affected: yes. Observed: 1 variant allele.

Department of Traditional Chinese Medicine, Fujian Provincial Hospital
Classification: Likely pathogenic for Autosomal recessive osteopetrosis 4. Review status: criteria provided, single submitter. Criteria: ACMG Guidelines, 2015. Collection method: research. Allele origin: inherited.
Comment: The mutation site NM_001287.6(CLCN7):c.857G>A (p.Arg286Gln) was found in patients with growth retardation by Next-generation sequencing. According to ACMG guidelines, the mutation was in line with PM2_Supporting (Absent from controls in Exome Sequencing Project, 1000 Genomes or ExAC.); PM3 (For recessive disorders, detected in trans with a pathogenic variant.)； PM5 (Novel missense change at an amino acid residue where a different missense change determined to be pathogenic has been seen before.) and PP3_Strong (Multiple lines of computational evidence support a deleterious effect on the gene or gene product.), so this mutation point is considered to be possibly pathogenic.

PreventionGenetics, part of Exact Sciences
Classification: Likely pathogenic for CLCN7-related condition. Last evaluated: 2023-12-22. Review status: no assertion criteria provided. Collection method: clinical testing. Allele origin: germline. Not counted in ClinVar's aggregate classification.
Comment: The CLCN7 c.857G>A variant is predicted to result in the amino acid substitution p.Arg286Gln. This variant has been reported in the heterozygous state in multiple individuals with osteopetrosis (Table 3, Frattini et al. 2003. PubMed ID: 14584882; Table S1, Kosaki et al. 2020. PubMed ID: 32369273) and it has also been reported in the compound heterozygous state in an individual with infantile malignant osteopetrosis (Lin et al. 2015. PubMed ID: 26365571). This variant is reported in 0.014% of alleles in individuals of Latino descent in gnomAD. An in vitro experimental study suggests this variant affects the activation kinetics of this channel protein (Figure 2, Ludwig et al. 2013. PubMed ID: 23983121). Alternate nucleotide changes affecting the same amino acid (p.Arg286Trp and p.Arg286Pro), have been reported in multiple individuals with osteopetrosis (see for example, Table 1, Cleiren et al. 2001. PubMed ID: 11741829; Table 2, Li et al. 2019. PubMed ID: 30942407; Yang et al. 2019. PubMed ID: 30431110). In summary, the c.857G>A (p.Arg286Gln) variant is interpreted as likely pathogenic.

Bioscientia Institut fuer Medizinische Diagnostik GmbH, Sonic Healthcare
Classification: Pathogenic for Autosomal dominant osteopetrosis 2. Last evaluated: 2017-04-20. Review status: no assertion criteria provided. Collection method: clinical testing. Allele origin: germline. Affected: yes. Not counted in ClinVar's aggregate classification.

Literature cited by the submitters: PubMed 14584882 (cited by 3 submitters); PubMed 32369273 (cited by Genome Diagnostics Laboratory, The Hospital for Sick Children and Labcorp Genetics (formerly Invitae), Labcorp); PubMed 36793634 (cited by Genome Diagnostics Laboratory, The Hospital for Sick Children); PubMed 26365571 (cited by 4 submitters); PubMed 11741829 (cited by 3 submitters); PubMed 17164308 (cited by Genome Diagnostics Laboratory, The Hospital for Sick Children and Labcorp Genetics (formerly Invitae), Labcorp); PubMed 21962762 (cited by Genome Diagnostics Laboratory, The Hospital for Sick Children and Labcorp Genetics (formerly Invitae), Labcorp); PubMed 30942407 (cited by Genome Diagnostics Laboratory, The Hospital for Sick Children and Labcorp Genetics (formerly Invitae), Labcorp); PubMed 31412925 (cited by Genome Diagnostics Laboratory, The Hospital for Sick Children and Labcorp Genetics (formerly Invitae), Labcorp); PubMed 19543743 (cited by Labcorp Genetics (formerly Invitae), Labcorp); PubMed 21527911 (cited by Ambry Genetics); PubMed 23983121 (cited by Ambry Genetics).

NM_001287.6(CLCN7):c.857G>A (p.Arg286Gln)

Gene: CLCN7 (Cl-/H+ antiporter 7; minus strand). Cytogenetic location: 16p13.3.
Variant type: single nucleotide variant.
Coding change: c.857G>A on transcript NM_001287.6 (MANE Select); coding-DNA position 857, G replaced by A.
Protein change: p.Arg286Gln; replaces arginine 286 with glutamine.
Molecular consequence: missense variant.
Genome position (GRCh38, 1-based): chr16:1,456,172, C>T on the plus strand (G>A on the coding strand, the complement: CLCN7 is on the minus strand). VCF-style: chr16-1456172-C-T. GRCh37 (hg19) VCF-style: chr16-1506173-C-T.
Other names: c.785G>A, p.Arg262Gln (NM_001114331.3); c.785G>A (NM_001114331.2); short protein forms R286Q, R262Q.
Identifiers: ClinVar variation 438670 (VCV000438670.43), dbSNP rs760956030, ClinGen allele CA7810545.